The following is an entry in ClinVar:

NM_002693.3(POLG):c.3430G>A (p.Glu1144Lys)

Gene: POLG (DNA polymerase gamma, catalytic subunit; minus strand). Cytogenetic location: 15q26.1.
Variant type: single nucleotide variant.
Coding change: c.3430G>A on transcript NM_002693.3 (MANE Select); coding-DNA position 3430, G replaced by A.
Protein change: p.Glu1144Lys; replaces glutamic acid 1144 with lysine.
Molecular consequence: missense variant.
Genome position (GRCh38, 1-based): chr15:89,318,593, C>T on the plus strand (G>A on the coding strand, the complement: POLG is on the minus strand). VCF-style: chr15-89318593-C-T. GRCh37 (hg19) VCF-style: chr15-89861824-C-T.
Other names: p.Glu1144Lys; c.3430G>A, p.Glu1144Lys (NM_001126131.2); c.3430G>A (NM_002693.2); short protein forms E1144K.
Identifiers: ClinVar variation 1488948 (VCV001488948.9), dbSNP rs2152058622, ClinGen allele CA393749751.
Genomic context (GRCh38, chr15:89,318,593, plus strand): 5'-CCGCATACCTGGTCAAGAGGTTGGTGATCTGCAAGGCCAGGGCAGCGCGGTAGCGGTCCT[C>T]CTCCCGCACCAGGTAGCGAACCTCGTCATGGATGCTGATGCAGAAGCGCCCATCTATGGC-3'
Protein context (NP_002684.1, residues 1134-1154): HDEVRYLVRE[Glu1144Lys]DRYRAALALQ

ClinVar aggregate classification (germline): Uncertain significance. Review status: criteria provided, multiple submitters, no conflicts (2 of 4 stars). 2 submissions from 2 submitters: Uncertain significance (2). Last evaluated 2025-09-04.

Conditions:
Progressive sclerosing poliodystrophy (MTDPS4A). Also called: Mitochondrial DNA depletion syndrome 4A (Alpers type); ALPERS PROGRESSIVE INFANTILE POLIODYSTROPHY; NEURONAL DEGENERATION OF CHILDHOOD WITH LIVER DISEASE, PROGRESSIVE; Mitochondrial DNA Depletion Syndrome 4A; Alpers-Huttenlocher Syndrome (AHS); Alpers Syndrome. Identifiers: Orphanet 726, MedGen C0205710, MONDO:0008758, OMIM 203700.

Submissions (2):

Mayo Clinic Laboratories, Mayo Clinic
Classification: Uncertain significance. Last evaluated: 2025-09-04. Review status: criteria provided, single submitter. Criteria: ACMG Guidelines, 2015. Collection method: clinical testing. Allele origin: germline. Observed: 1 variant allele.
Comment: PM2_supporting

Labcorp Genetics (formerly Invitae), Labcorp
Classification: Uncertain significance for Progressive sclerosing poliodystrophy. Last evaluated: 2021-01-19. Review status: criteria provided, single submitter. Criteria: Invitae Variant Classification Sherloc (09022015). Collection method: clinical testing. Allele origin: germline.
Comment: This sequence change replaces glutamic acid with lysine at codon 1144 of the POLG protein (p.Glu1144Lys). The glutamic acid residue is moderately conserved and there is a small physicochemical difference between glutamic acid and lysine. This variant is not present in population databases (ExAC no frequency). This variant has not been reported in the literature in individuals with POLG-related conditions. Algorithms developed to predict the effect of missense changes on protein structure and function output the following: SIFT: "Tolerated"; PolyPhen-2: "Benign"; Align-GVGD: "Class C0". The lysine amino acid residue is found in multiple mammalian species, suggesting that this missense change does not adversely affect protein function. These predictions have not been confirmed by published functional studies and their clinical significance is uncertain. In summary, the available evidence is currently insufficient to determine the role of this variant in disease. Therefore, it has been classified as a Variant of Uncertain Significance.